The following is an entry in ClinVar:

ClinVar aggregate classification (germline): Uncertain significance. Review status: criteria provided, multiple submitters, no conflicts (2 of 4 stars). 2 submissions from 2 submitters: Uncertain significance (2). Last evaluated 2023-12-05.

Conditions:
Familial hypercholesterolemia. Also called: Familial hypercholesterolaemia; Familial hypercholesterolemias. Identifiers: MedGen C0020445, MONDO:0005439.
Hypercholesterolemia, autosomal dominant, 3 (FHCL3). Also called: PCSK9-Related Familial Hypercholesterolemia, Autosomal Dominant; Familial hypercholesterolemia 3; Familial Hypercholesterolemia, Autosomal Dominant, 3. Identifiers: MedGen C1863551, MONDO:0011369, OMIM 603776.

Submissions (2):

Color Diagnostics, LLC DBA Color Health
Classification: Uncertain significance for Familial hypercholesterolemia. Last evaluated: 2023-12-05. Review status: criteria provided, single submitter. Criteria: ACMG Guidelines, 2015. Collection method: clinical testing. Allele origin: germline.
Comment: This missense variant replaces threonine with isoleucine at codon 472 of the PCSK9 protein. Computational prediction tools and conservation analyses suggest that this variant may not impact the protein function. Computational splicing tools suggest that this variant may not impact RNA splicing. To our knowledge, functional assays have not been performed for this variant nor has this variant been reported in individuals affected with familial hypercholesterolemia in the literature. This variant has not been identified in the general population by the Genome Aggregation Database (gnomAD). Available evidence is insufficient to determine the role of this variant in disease conclusively. Therefore, this variant is classified as a Variant of Uncertain Significance.

Fulgent Genetics
Classification: Uncertain significance for Hypercholesterolemia, autosomal dominant, 3. Last evaluated: 2021-08-07. Review status: criteria provided, single submitter. Criteria: ACMG Guidelines, 2015. Collection method: clinical testing. Allele origin: unknown.

NM_174936.4(PCSK9):c.1415C>T (p.Thr472Ile)

Gene: PCSK9 (proprotein convertase subtilisin/kexin type 9; plus strand). Cytogenetic location: 1p32.3.
Variant type: single nucleotide variant.
Coding change: c.1415C>T on transcript NM_174936.4 (MANE Select); coding-DNA position 1415, C replaced by T.
Protein change: p.Thr472Ile; replaces threonine 472 with isoleucine.
Molecular consequence: missense variant.
Genome position (GRCh38, 1-based): chr1:55,058,559, C>T. VCF-style: chr1-55058559-C-T. GRCh37 (hg19) VCF-style: chr1-55524232-C-T.
Other names: c.1538C>T, p.Thr513Ile (NM_001407240.1); c.1415C>T, p.Thr472Ile (NM_001407241.1); c.1418C>T, p.Thr473Ile (NM_001407242.1); c.1358C>T, p.Thr453Ile (NM_001407243.1); c.1241C>T, p.Thr414Ile (NM_001407244.1); c.1223C>T, p.Thr408Ile (NM_001407245.1); c.1040C>T, p.Thr347Ile (NM_001407246.1); short protein forms T472I, T414I, T453I, T408I, T473I, T347I, T513I.
Identifiers: ClinVar variation 926437 (VCV000926437.7), dbSNP rs1644734019, ClinGen allele CA340478878.